The following is an entry in ClinVar:

NM_001083962.2(TCF4):c.*2553C>T

Gene: TCF4 (transcription factor 4; minus strand). Cytogenetic location: 18q21.2.
Variant type: single nucleotide variant.
Coding change: c.*2553C>T on transcript NM_001083962.2 (MANE Select); 2553 bases downstream of the stop codon, C replaced by T.
Molecular consequence: 3 prime UTR variant.
Genome position (GRCh38, 1-based): chr18:55,225,482, G>A on the plus strand (C>T on the coding strand, the complement: TCF4 is on the minus strand). VCF-style: chr18-55225482-G-A. GRCh37 (hg19) VCF-style: chr18-52892713-G-A.
Other names: c.*2553C>T (NM_001243226.3, NM_001243227.2, NM_001243228.2 and 42 more transcripts).
Identifiers: ClinVar variation 327272 (VCV000327272.5), dbSNP rs117874302, ClinGen allele CA10651066.

ClinVar aggregate classification (germline): Benign (1 of 4 stars; one submission).

Conditions:
Pitt-Hopkins syndrome (PTHS). Also called: ENCEPHALOPATHY, SEVERE EPILEPTIC, WITH AUTONOMIC DYSFUNCTION; MENTAL RETARDATION, SYNDROMAL, WITH INTERMITTENT HYPERVENTILATION. Identifiers: Orphanet 2896, MedGen C1970431, MONDO:0012589, OMIM 610954.

Allele frequency attached by ClinVar (database versions not stated): 1000 Genomes Project 30x 0.00078; 1000 Genomes Project 0.00080; gnomAD 0.00247; TOPMed 0.00277.

Submission:

Illumina Laboratory Services, Illumina
Classification: Benign for Pitt-Hopkins syndrome. Last evaluated: 2018-01-12. Review status: criteria provided, single submitter. Criteria: ICSL Variant Classification Criteria 13 December 2019. Collection method: clinical testing. Allele origin: germline.
Comment: This variant was observed in the ICSL laboratory as part of a predisposition screen in an ostensibly healthy population. It had not been previously curated by ICSL or reported in the Human Gene Mutation Database (HGMD: prior to June 1st, 2018), and was therefore a candidate for classification through an automated scoring system. Utilizing variant allele frequency, disease prevalence and penetrance estimates, and inheritance mode, an automated score was calculated to assess if this variant is too frequent to cause the disease. Based on the score and internal cut-off values, a variant classified as benign is not then subjected to further curation. The score for this variant resulted in a classification of benign for this disease.